The following is an entry in ClinVar:

NC_000007.13:g.(?_16297995)_(16348272_?)del

Gene: CRPPA (CDP-L-ribitol pyrophosphorylase A; minus strand). Cytogenetic location: 7p21.2.
Variant type: Deletion.
Identifiers: ClinVar variation 3245805 (VCV003245805.1).

ClinVar aggregate classification (germline): Pathogenic (1 of 4 stars; one submission).

Conditions:
Autosomal recessive limb-girdle muscular dystrophy type 2U. Also called: Muscular dystrophy-dystroglycanopathy (limb-girdle), type c, 7; MUSCULAR DYSTROPHY, LIMB-GIRDLE, TYPE 2U. Identifiers: Orphanet 352479, MedGen C5190987, MONDO:0014474, OMIM 616052.
Muscular dystrophy-dystroglycanopathy (congenital with brain and eye anomalies), type A, 7. Also called: WALKER-WARBURG SYNDROME OR MUSCLE-EYE-BRAIN DISEASE, ISPD-RELATED; Congenital muscular dystrophy-dystroglycanopathy with brain and eye anomalies, type A7. Identifiers: Orphanet 899, MedGen C3553330, MONDO:0013835, OMIM 614643.

Submission:

Labcorp Genetics (formerly Invitae), Labcorp
Classification: Pathogenic for Muscular dystrophy-dystroglycanopathy (congenital with brain and eye anomalies), type A, 7; Autosomal recessive limb-girdle muscular dystrophy type 2U. Last evaluated: 2023-03-24. Review status: criteria provided, single submitter. Criteria: Invitae Variant Classification Sherloc (09022015). Collection method: clinical testing. Allele origin: unknown.
Comment: For these reasons, this variant has been classified as Pathogenic. This variant disrupts a region of the ISPD protein in which other variant(s) (p.Val372del) have been determined to be pathogenic (PMID: 23288328, 23390185, 27234031, 31127727). This suggests that this is a clinically significant region of the protein, and that variants that disrupt it are likely to be disease-causing. This variant has not been reported in the literature in individuals affected with ISPD-related conditions. This variant is a gross deletion of the genomic region encompassing exon(s) 4-8 of the ISPD gene. This variant would be expected to be in-frame, preserving the integrity of the reading frame.

Literature cited by the submitters: PubMed 23288328; PubMed 23390185; PubMed 27234031; PubMed 31127727.